The following is an entry in ClinVar:

ClinVar aggregate classification (germline): Pathogenic (1 of 4 stars; one submission).

Submission:

CeGaT Center for Human Genetics Tuebingen
Classification: Pathogenic. Last evaluated: 2023-03-01. Review status: criteria provided, single submitter. Criteria: CeGaT Center For Human Genetics Tuebingen Variant Classification Criteria Version 2. Collection method: clinical testing. Allele origin: germline. Affected: yes. Observed: 1 variant allele.
Comment: SALL1: PVS1, PM2

NM_002968.3(SALL1):c.718C>T (p.Gln240Ter)

Gene: SALL1 (spalt like transcription factor 1; minus strand). Cytogenetic location: 16q12.1.
Variant type: single nucleotide variant.
Coding change: c.718C>T on transcript NM_002968.3 (MANE Select); coding-DNA position 718, C replaced by T.
Protein change: p.Gln240Ter; replaces glutamine 240 with a stop codon.
Molecular consequence: nonsense.
Genome position (GRCh38, 1-based): chr16:51,141,504, G>A on the plus strand (C>T on the coding strand, the complement: SALL1 is on the minus strand). VCF-style: chr16-51141504-G-A. GRCh37 (hg19) VCF-style: chr16-51175415-G-A.
Other names: c.427C>T, p.Gln143Ter (NM_001127892.2); short protein forms Q143*, Q240*.
Identifiers: ClinVar variation 2498664 (VCV002498664.28), dbSNP rs2506495603, ClinGen allele CA395890991.